The following is an entry in ClinVar:

NM_201384.3(PLEC):c.3173C>T (p.Pro1058Leu)

Gene: PLEC (plectin; minus strand). Cytogenetic location: 8q24.3.
Variant type: single nucleotide variant.
Coding change: c.3173C>T on transcript NM_201384.3 (MANE Select); coding-DNA position 3173, C replaced by T.
Protein change: p.Pro1058Leu; replaces proline 1058 with leucine.
Molecular consequence: missense variant.
Genome position (GRCh38, 1-based): chr8:143,929,190, G>A on the plus strand (C>T on the coding strand, the complement: PLEC is on the minus strand). VCF-style: chr8-143929190-G-A. GRCh37 (hg19) VCF-style: chr8-145003358-G-A.
Other names: c.3254C>T, p.Pro1085Leu (NM_000445.5, NM_001410941.1); c.3131C>T, p.Pro1044Leu (NM_201378.4); c.3107C>T, p.Pro1036Leu (NM_201379.3); c.3584C>T, p.Pro1195Leu (NM_201380.4); c.3077C>T, p.Pro1026Leu (NM_201381.3); c.3173C>T, p.Pro1058Leu (NM_201382.4); c.3185C>T, p.Pro1062Leu (NM_201383.3); short protein forms P1085L, P1036L, P1044L, P1062L, P1195L, P1026L, P1058L.
Identifiers: ClinVar variation 2014518 (VCV002014518.4), dbSNP rs377696387, ClinGen allele CA4927184.

ClinVar aggregate classification (germline): Uncertain significance (1 of 4 stars; one submission).

Conditions:
Epidermolysis bullosa simplex 5B, with muscular dystrophy (EBS5B). Also called: Epidermolysis bullosa simplex with muscular dystrophy; EPIDERMOLYSIS BULLOSA SIMPLEX AND LIMB-GIRDLE MUSCULAR DYSTROPHY. Identifiers: Orphanet 257, MedGen C2931072, MONDO:0009181, OMIM 226670.
Epidermolysis bullosa simplex, Ogna type (EBS5A). Also called: Pidermolysis bullosa simplex 5A, Ogna type; EPIDERMOLYSIS BULLOSA SIMPLEX 5A, OGNA TYPE. Identifiers: Orphanet 79401, MedGen C0432317, MONDO:0007555, OMIM 131950.
Epidermolysis bullosa simplex 5C, with pyloric atresia (EBS5C). Also called: PLEC-Related Epidermolysis Bullosa with Pyloric Atresia; Epidermolysis bullosa simplex with pyloric atresia; PLEC1-Related Epidermolysis Bullosa with Pyloric Atresia. Identifiers: Orphanet 158684, MedGen C2677349, MONDO:0012807, OMIM 612138.
Autosomal recessive limb-girdle muscular dystrophy type 2Q (LGMDR17). Also called: MUSCULAR DYSTROPHY, LIMB-GIRDLE, AUTOSOMAL RECESSIVE 17. Identifiers: Orphanet 254361, MedGen C3150989, MONDO:0013390, OMIM 613723.
Epidermolysis bullosa simplex with nail dystrophy (EBS5D). Identifiers: MedGen C4225309, MONDO:0014661, OMIM 616487.

Allele frequency attached by ClinVar (database versions not stated): gnomAD 0.00001; gnomAD exomes 0.00001; TOPMed 0.00001; ExAC 0.00002; ESP Exome Variant Server 0.00008.
gnomAD v4.1: 13 of 1,600,768 alleles (0.00081%); highest among the groups gnomAD compares: Non-Finnish European, 0.00076%; no homozygotes.

Submission:

Labcorp Genetics (formerly Invitae), Labcorp
Classification: Uncertain significance for Autosomal recessive limb-girdle muscular dystrophy type 2Q; Epidermolysis bullosa simplex, Ogna type; Epidermolysis bullosa simplex with nail dystrophy; Epidermolysis bullosa simplex 5C, with pyloric atresia; Epidermolysis bullosa simplex 5B, with muscular dystrophy. Last evaluated: 2023-04-13. Review status: criteria provided, single submitter. Criteria: Invitae Variant Classification Sherloc (09022015). Collection method: clinical testing. Allele origin: germline.
Comment: ClinVar contains an entry for this variant (Variation ID: 2014518). This sequence change replaces proline, which is neutral and non-polar, with leucine, which is neutral and non-polar, at codon 1085 of the PLEC protein (p.Pro1085Leu). The frequency data for this variant in the population databases is considered unreliable, as metrics indicate poor data quality at this position in the gnomAD database. This variant has not been reported in the literature in individuals affected with PLEC-related conditions. Advanced modeling of protein sequence and biophysical properties (such as structural, functional, and spatial information, amino acid conservation, physicochemical variation, residue mobility, and thermodynamic stability) performed at Invitae indicates that this missense variant is not expected to disrupt PLEC protein function. In summary, the available evidence is currently insufficient to determine the role of this variant in disease. Therefore, it has been classified as a Variant of Uncertain Significance.